The following is an entry in ClinVar:

NM_005428.4(VAV1):c.973C>A (p.Leu325Met)

Gene: VAV1 (vav guanine nucleotide exchange factor 1; plus strand). Cytogenetic location: 19p13.3.
Variant type: single nucleotide variant.
Coding change: c.973C>A on transcript NM_005428.4 (MANE Select); coding-DNA position 973, C replaced by A.
Protein change: p.Leu325Met; replaces leucine 325 with methionine.
Molecular consequence: missense variant.
Genome position (GRCh38, 1-based): chr19:6,828,121, C>A. VCF-style: chr19-6828121-C-A. GRCh37 (hg19) VCF-style: chr19-6828132-C-A.
Other names: c.973C>A, p.Leu325Met (NM_001258206.2); c.877C>A, p.Leu293Met (NM_001258207.2); short protein forms L325M, L293M.
Identifiers: ClinVar variation 2128213 (VCV002128213.4), dbSNP rs2512369289, ClinGen allele CA403620347.

ClinVar aggregate classification (germline): Uncertain significance (1 of 4 stars; one submission).

Allele frequency attached by ClinVar (database versions not stated): gnomAD exomes 0.00001.
gnomAD v4.1: 6 of 1,614,194 alleles (0.00037%); highest among the groups gnomAD compares: South Asian, 0.0022%; no homozygotes.

Submission:

Labcorp Genetics (formerly Invitae), Labcorp
Classification: Uncertain significance. Last evaluated: 2022-06-26. Review status: criteria provided, single submitter. Criteria: Invitae Variant Classification Sherloc (09022015). Collection method: clinical testing. Allele origin: germline.
Comment: In summary, the available evidence is currently insufficient to determine the role of this variant in disease. Therefore, it has been classified as a Variant of Uncertain Significance. Algorithms developed to predict the effect of missense changes on protein structure and function are either unavailable or do not agree on the potential impact of this missense change (SIFT: "Deleterious"; PolyPhen-2: "Probably Damaging"; Align-GVGD: "Class C0"). This variant has not been reported in the literature in individuals affected with VAV1-related conditions. This variant is not present in population databases (gnomAD no frequency). This sequence change replaces leucine, which is neutral and non-polar, with methionine, which is neutral and non-polar, at codon 325 of the VAV1 protein (p.Leu325Met).